The following is an entry in ClinVar:

NM_178821.3(DAW1):c.175C>T (p.Arg59Ter)

Gene: DAW1 (dynein assembly factor with WD repeats 1; plus strand). Cytogenetic location: 2q36.3.
Variant type: single nucleotide variant.
Coding change: c.175C>T on transcript NM_178821.3 (MANE Select); coding-DNA position 175, C replaced by T.
Protein change: p.Arg59Ter; replaces arginine 59 with a stop codon.
Molecular consequence: nonsense. On other transcripts: non-coding transcript variant (1).
Genome position (GRCh38, 1-based): chr2:227,889,917, C>T. VCF-style: chr2-227889917-C-T. GRCh37 (hg19) VCF-style: chr2-228754633-C-T.
Other names: c.130C>T, p.Arg44Ter (NM_001330004.2); short protein forms R44*, R59*.
Identifiers: ClinVar variation 4879565 (VCV004879565.1).

ClinVar aggregate classification (germline): Uncertain significance (1 of 4 stars; one submission).

Conditions:
Ciliary dyskinesia, primary, 52 (CILD52). Also called: CILIARY DYSKINESIA, PRIMARY, 52, WITH OR WITHOUT SITUS INVERSUS. Identifiers: MedGen C5882714, MONDO:0957922, OMIM 620570.

gnomAD v4.1: 45 of 1,610,422 alleles (0.0028%); highest among the groups gnomAD compares: African/African-American, 0.019%; no homozygotes.

Submission:

Clinical Genomics Laboratory, Washington University in St. Louis
Classification: Uncertain significance for Ciliary dyskinesia, primary, 52. Last evaluated: 2026-01-23. Review status: criteria provided, single submitter. Criteria: ACMG Guidelines, 2015. Collection method: clinical testing. Allele origin: germline.
Comment: The DAW1 c.175C>T (p.Arg59*) variant, to our knowledge, has not been reported in the medical literature. This variant is only observed in 45/1,610,422 alleles in the general population (gnomAD v.4.1.0), indicating it is not a common variant. This variant leads to a premature termination codon, which is predicted to lead to nonsense-mediated decay. Due to limited information, the clinical significance of this variant is uncertain.